The following is an entry in ClinVar:

NM_002230.4(JUP):c.1159-20G>A

Gene: JUP (junction plakoglobin; minus strand). Cytogenetic location: 17q21.2.
Variant type: single nucleotide variant.
Coding change: c.1159-20G>A on transcript NM_002230.4 (MANE Select); 20 bases into the intron before coding-DNA position 1159, G replaced by A.
Molecular consequence: intron variant.
Genome position (GRCh38, 1-based): chr17:41,763,341, C>T on the plus strand (G>A on the coding strand, the complement: JUP is on the minus strand). VCF-style: chr17-41763341-C-T. GRCh37 (hg19) VCF-style: chr17-39919593-C-T.
Other names: c.1159-20G>A (NM_001352774.2, NM_021991.4, NM_001352776.2 and 3 more transcripts).
Identifiers: ClinVar variation 513057 (VCV000513057.17), dbSNP rs782463183, ClinGen allele CA8565260.

ClinVar aggregate classification (germline): Likely benign. Review status: criteria provided, multiple submitters, no conflicts (2 of 4 stars). 7 submissions from 7 submitters: Likely benign (3). 4 of the submissions do not count toward it. Last evaluated 2026-01-20.

Conditions:
Naxos disease (NXD). Also called: PALMOPLANTAR KERATODERMA WITH ARRHYTHMOGENIC RIGHT VENTRICULAR CARDIOMYOPATHY AND WOOLLY HAIR; WOOLLY HAIR, PALMOPLANTAR KERATODERMA, AND CARDIAC ABNORMALITIES; CARDIOMYOPATHY, ARRHYTHMOGENIC RIGHT VENTRICULAR, WITH SKIN, HAIR, AND NAIL ABNORMALITIES; KERATOSIS PALMOPLANTARIS WITH ARRHYTHMOGENIC CARDIOMYOPATHY; MAL DE NAXOS. Identifiers: Orphanet 34217, MedGen C1832600, MONDO:0011017, OMIM 601214.
Arrhythmogenic right ventricular dysplasia 12. Also called: ARRHYTHMOGENIC RIGHT VENTRICULAR DYSPLASIA, FAMILIAL, 12. Identifiers: MedGen C1969081, MONDO:0012684, OMIM 611528.

Allele frequency attached by ClinVar (database versions not stated): TOPMed 0.00008; gnomAD 0.00010 and 0.00011; gnomAD exomes 0.00004; ExAC 0.00006.
gnomAD v4.1: 139 of 1,598,170 alleles (0.0087%); highest among the groups gnomAD compares: Middle Eastern, 0.018%; no homozygotes.

Submissions (7):

Labcorp Genetics (formerly Invitae), Labcorp
Classification: Likely benign for Arrhythmogenic right ventricular dysplasia 12; Naxos disease. Last evaluated: 2026-01-20. Review status: criteria provided, single submitter. Criteria: Invitae Variant Classification Sherloc (09022015). Collection method: clinical testing. Allele origin: germline.

Blueprint Genetics
Classification: Likely benign. Last evaluated: 2024-09-12. Review status: criteria provided, single submitter. Criteria: ACMG Guidelines, 2015. Collection method: clinical testing. Allele origin: germline.

GeneDx
Classification: Likely benign. Last evaluated: 2017-10-31. Review status: criteria provided, single submitter. Criteria: GeneDx Variant Classification (06012015). Collection method: clinical testing. Allele origin: germline. Affected: yes.
Comment: This variant is considered likely benign or benign based on one or more of the following criteria: it is a conservative change, it occurs at a poorly conserved position in the protein, it is predicted to be benign by multiple in silico algorithms, and/or has population frequency not consistent with disease.

Clinical Genetics DNA and cytogenetics Diagnostics Lab, Erasmus MC, Erasmus Medical Center
Classification: Benign. Review status: no assertion criteria provided. Collection method: clinical testing. Allele origin: germline. Affected: yes. Study: VKGL Data-share Consensus. Not counted in ClinVar's aggregate classification.

Clinical Genetics, Academic Medical Center
Classification: Benign. Review status: no assertion criteria provided. Collection method: clinical testing. Allele origin: germline. Affected: yes. Study: VKGL Data-share Consensus. Not counted in ClinVar's aggregate classification.

Diagnostic Laboratory, Department of Genetics, University Medical Center Groningen
Classification: Likely benign. Review status: no assertion criteria provided. Collection method: clinical testing. Allele origin: germline. Affected: yes. Study: VKGL Data-share Consensus. Not counted in ClinVar's aggregate classification.

Joint Genome Diagnostic Labs from Nijmegen and Maastricht, Radboudumc and MUMC+
Classification: Likely benign. Review status: no assertion criteria provided. Collection method: clinical testing. Allele origin: germline. Affected: yes. Study: VKGL Data-share Consensus. Not counted in ClinVar's aggregate classification.